The following is an entry in ClinVar:

NM_001348800.3(ZBTB20):c.321G>C (p.Thr107=)

Gene: ZBTB20 (zinc finger and BTB domain containing 20; minus strand). Cytogenetic location: 3q13.31.
Variant type: single nucleotide variant.
Coding change: c.321G>C on transcript NM_001348800.3 (MANE Select); coding-DNA position 321, G replaced by C.
Protein change: p.Thr107=; no amino-acid change (threonine 107 retained).
Molecular consequence: synonymous variant.
Genome position (GRCh38, 1-based): chr3:114,351,757, C>G on the plus strand (G>C on the coding strand, the complement: ZBTB20 is on the minus strand). VCF-style: chr3-114351757-C-G. GRCh37 (hg19) VCF-style: chr3-114070604-C-G.
Other names: c.321G>C, p.Thr107= (NM_001164342.2, NM_001348803.3, NM_001393393.1 and 1 more transcripts); c.102G>C, p.Thr34= (NM_001164343.2, NM_001164344.4, NM_001164345.4 and 9 more transcripts).
Identifiers: ClinVar variation 741482 (VCV000741482.6), dbSNP rs753913401, ClinGen allele CA435196944.
Genomic context (GRCh38, chr3:114,351,757, plus strand): 5'-GGGGCTGCCGGCTGCCAGCACGCAGCGGTGTGCGCGCAGCATGCTCCCGTGGATGCGCAC[C>G]GTTACGTCACAGAAGTGGCCACGGTTGCGCTGCTCGTTGAGGGTCTCGAGCACGGAATTG-3'
Protein context (NP_001335729.1, residues 97-117): QRNRGHFCDV[Thr107=]VRIHGSMLRA

ClinVar aggregate classification (germline): Likely benign. Review status: criteria provided, single submitter (1 of 4 stars). 2 submissions from 2 submitters: Likely benign (1). 1 of the submissions does not count toward it. Last evaluated 2025-02-27.

Conditions:
ZBTB20-related disorder. Also called: ZBTB20-related condition.

Submissions (2):

Labcorp Genetics (formerly Invitae), Labcorp
Classification: Likely benign. Last evaluated: 2025-02-27. Review status: criteria provided, single submitter. Criteria: Invitae Variant Classification Sherloc (09022015). Collection method: clinical testing. Allele origin: germline.

PreventionGenetics, part of Exact Sciences
Classification: Likely benign for ZBTB20-related condition. Last evaluated: 2022-01-31. Review status: no assertion criteria provided. Collection method: clinical testing. Allele origin: germline. Not counted in ClinVar's aggregate classification.
Comment: This variant is classified as likely benign based on ACMG/AMP sequence variant interpretation guidelines (Richards et al. 2015 PMID: 25741868, with internal and published modifications).